The following is an entry in ClinVar:

ClinVar aggregate classification (germline): Uncertain significance (1 of 4 stars; one submission).

gnomAD v4.1: 13 of 1,612,300 alleles (0.00081%); highest among the groups gnomAD compares: Non-Finnish European, 0.001%; no homozygotes.

Submission:

Athena Diagnostics
Classification: Uncertain significance. Last evaluated: 2025-02-25. Review status: criteria provided, single submitter. Criteria: Athena Diagnostics Criteria. Collection method: clinical testing. Allele origin: unknown.
Comment: Available data are insufficient to determine the clinical significance of the variant at this time. The frequency of this variant in the general population is uninformative in assessment of its pathogenicity. Polyphen and MutationTaster predict this amino acid change may be damaging to the protein.

NM_000435.3(NOTCH3):c.5744G>A (p.Arg1915His)

Gene: NOTCH3 (notch receptor 3; minus strand). Cytogenetic location: 19p13.12.
Variant type: single nucleotide variant.
Coding change: c.5744G>A on transcript NM_000435.3 (MANE Select); coding-DNA position 5744, G replaced by A.
Protein change: p.Arg1915His; replaces arginine 1915 with histidine.
Molecular consequence: missense variant.
Genome position (GRCh38, 1-based): chr19:15,165,439, C>T on the plus strand (G>A on the coding strand, the complement: NOTCH3 is on the minus strand). VCF-style: chr19-15165439-C-T. GRCh37 (hg19) VCF-style: chr19-15276250-C-T.
Other names: short protein forms R1915H.
Identifiers: ClinVar variation 4682260 (VCV004682260.1).
Genomic context (GRCh38, chr19:15,165,439, plus strand): 5'-ACAGCATTGACATCAGCATGGCTGGCGATGAGCTCTTCCACCATGCCCTCTACTGCCAGG[C>T]GGGCCGCCAGGATCAGTGCCGTTGAGCCATCTGCCATGCGGGCATCCAAGTCTGTAGAGC-3'
Protein context (NP_000426.2, residues 1905-1925): DGSTALILAA[Arg1915His]LAVEGMVEEL